The following is an entry in ClinVar:

ClinVar aggregate classification (germline): Pathogenic. Review status: criteria provided, multiple submitters, no conflicts (2 of 4 stars). 23 submissions from 23 submitters: Pathogenic (19). 4 of the submissions do not count toward it. Last evaluated 2025-11-24.

Conditions:
Inborn genetic diseases. Identifiers: MedGen C0950123, MeSH D030342.
KCNC3-related disorders.
Spinocerebellar ataxia type 13 (SCA13). Also called: Spinocerebellar Ataxia Type13. Identifiers: Orphanet 98768, MedGen C1854488, MONDO:0011529, OMIM 605259.

Submissions 1 to 9 of 23:

3billion
Classification: Pathogenic for Spinocerebellar ataxia type 13. Last evaluated: 2025-11-24. Review status: criteria provided, single submitter. Criteria: ACMG Guidelines, 2015. Collection method: clinical testing. Allele origin: germline. Affected: yes.
Comment: The variant is not observed in the gnomAD v4.1.0 dataset. Predicted Consequence/Location: Missense variant. Missense changes are a common disease-causing mechanism. Functional studies provide strong evidence of the variant having a damaging effect on the gene or gene product (PMID: 19953606, 22289912, 25756792, 28467418). In silico tool predictions suggest damaging effect of the variant on gene or gene product [REVEL: 0.92 (>=0.6, sensitivity 0.68 and specificity 0.92)]. The same nucleotide change resulting in the same amino acid change has been previously reported as pathogenic/likely pathogenic with strong evidence (ClinVar ID: VCV000208671 /PMID: 19953606 /3billion dataset). The variant has been previously reported as de novo in a similarly affected individual (PMID: 28467418). The variant has been observed in multiple (>3) similarly affected unrelated individuals (PMID: 19953606, 28467418). A different missense change at the same codon (p.Arg423Cys) has been reported to be associated with KCNC3-related disorder (ClinVar ID: VCV003251038). Therefore, this variant is classified as Pathogenic according to the recommendation of ACMG/AMP guideline.

Dasa
Classification: Pathogenic. Last evaluated: 2025-04-18. Review status: criteria provided, single submitter. Criteria: DASA Assertion Criteria. Collection method: clinical testing. Allele origin: germline.
Comment: NM_004977.3(KCNC3):c.1268G>A (p.Arg423His) is a missense variant that results in the substitution of arginine with histidine. The affected residue or protein region has prior evidence supporting clinical relevance. De novo occurrence has been reported in an individual with related phenotype. Segregation evidence has been reported in affected families. Functional evidence supports a deleterious effect on the gene or gene product (PMID: 19953606; PMID: 25756792; PMID: 28467418). This variant has been recurrently observed in individuals with related phenotype (PMID: 19953606; PMID: 25756792; PMID: 28467418). Multiple computational predictions support a deleterious effect on the gene or gene product. The variant is present at low frequency in population datasets. Based on the available data, this variant is classified as pathogenic.

Victorian Clinical Genetics Services, Murdoch Childrens Research Institute
Classification: Pathogenic for Spinocerebellar ataxia type 13. Last evaluated: 2025-01-23. Review status: criteria provided, single submitter. Criteria: ACMG Guidelines, 2015. Collection method: clinical testing. Allele origin: germline. Affected: yes.
Comment: This variant is classified as Pathogenic. Evidence in support of pathogenic classification: Variant is absent from gnomAD (v2, v3 and v4); This variant has very strong previous evidence of pathogenicity in unrelated individuals. This variant has been reported as pathogenic in multiple individuals with early onset non-progressive spinocerebellar ataxia. It has been shown to segregate with disease in several families, and there have been at least two reports of de novo cases (ClinVar, LOVD3, PMIDs: 19953606, 21479265, 25756792, 28467418); This variant has moderate evidence for segregation with disease (PMID: 28467418); This variant has moderate functional evidence supporting abnormal protein function. Targeted expression in zebrafish and drosophila models have demonstrated disrupted axonal pathfinding and neurodegeneration consistent with the neurodevelopmental presentations of disease in patients (PMIDs: 21543613, 30862666, 28467418). In addition, patch clamp studies of this variant expressed in Xenopus oocytes have shown significant loss of Kv3.3 channel activity, reduced current amplitude and cell surface expression. (PMIDs: 19953606, 22289912, 25756792). However, patch clamp assays have been shown to be unreliable; therefore results from these studies are used with caution during variant classification; Missense variant predicted to be damaging by in silico tool(s) or highly conserved with a major amino acid change. Additional information: Variant is predicted to result in a missense amino acid change from arginine to histidine; This variant is heterozygous; This gene is associated with autosomal dominant disease; Alternative amino acid change(s) at the same position are present in gnomAD (Highest allele count: v4: 3 heterozygote(s), 0 homozygote(s)); Variant is located in the annotated transmembrane S4 domain (UniProt, PMID: 26442672); Dominant negative and gain of function are known mechanisms of disease in this gene and are associated with spinocerebellar ataxia 13 (MIM#605259) (PMIDs: 20301404, 22289912, 26442672); Variants in this gene are known to have variable expressivity. Age of onset (congenital or adult-onset), phenotype and disease progression depend on the location of the variant and its action on the channel, Kv3.3. (PMID: 20301404, 25756792; 26442672).

Labcorp Genetics (formerly Invitae), Labcorp
Classification: Pathogenic. Last evaluated: 2024-10-22. Review status: criteria provided, single submitter. Criteria: Invitae Variant Classification Sherloc (09022015). Collection method: clinical testing. Allele origin: germline.
Comment: This sequence change replaces arginine, which is basic and polar, with histidine, which is basic and polar, at codon 423 of the KCNC3 protein (p.Arg423His). This variant is not present in population databases (gnomAD no frequency). This missense change has been observed in individual(s) with spinocerebellar ataxia (PMID: 19953606, 25756792, 28467418). In at least one individual the variant was observed to be de novo. It has also been observed to segregate with disease in related individuals. ClinVar contains an entry for this variant (Variation ID: 208671). Invitae Evidence Modeling of protein sequence and biophysical properties (such as structural, functional, and spatial information, amino acid conservation, physicochemical variation, residue mobility, and thermodynamic stability) indicates that this missense variant is expected to disrupt KCNC3 protein function with a positive predictive value of 95%. Experimental studies have shown that this missense change affects KCNC3 function (PMID: 19953606, 22289912, 25756792, 28467418). For these reasons, this variant has been classified as Pathogenic.

Clinical Genetics Laboratory, Skane University Hospital Lund
Classification: Pathogenic. Last evaluated: 2024-02-20. Review status: criteria provided, single submitter. Criteria: ACMG Guidelines, 2015. Collection method: clinical testing. Allele origin: germline. Affected: yes.

Kariminejad - Najmabadi Pathology & Genetics Center
Classification: Pathogenic for Spinocerebellar ataxia type 13. Last evaluated: 2024-01-19. Review status: criteria provided, single submitter. Criteria: ACMG Guidelines, 2015. Collection method: clinical testing. Allele origin: germline. Inheritance: Autosomal dominant inheritance. Affected: yes.
Comment: PP1, PS3, PS2, PM2, PP3

Neuberg Centre For Genomic Medicine, NCGM
Classification: Pathogenic for Spinocerebellar ataxia type 13. Last evaluated: 2023-02-14. Review status: criteria provided, single submitter. Criteria: ACMG Guidelines, 2015. Collection method: clinical testing. Allele origin: germline. Inheritance: Autosomal dominant inheritance. Affected: yes.
Comment: The missense c.1268G>A(p.Arg423His) variant in KCNC3 gene has been reported in heterozygous state in multiple individuals affected with KCNC3 related disorders (Khare S, et. al., 2017; Coutelier M, et. al., 2017; Duarri A, et. al., 2015). Functional studies show p.Arg423His disrupts the channel activity of the KCNC3 protein and demonstrates a dominant-negative effect (Figueroa KP, et. al., 2010). The p.Arg423His variant is novel (not in any individuals) in gnomAD Exomes and 1000 Genomes. This variant has been reported to the ClinVar database as Pathogenic (multiple submissions). The amino acid change p.Arg423His in KCNC3 is predicted as conserved by GERP++ and PhyloP across 100 vertebrates. The amino acid Arg at position 423 is changed to a His changing protein sequence and it might alter its composition and physico-chemical properties. For these reasons, this variant has been classified as Pathogenic.

Institute of Human Genetics, Clinical Exome/Genome Diagnostics Group, University Hospital Bonn
Classification: Pathogenic for Spinocerebellar ataxia type 13. Last evaluated: 2022-08-05. Review status: criteria provided, single submitter. Criteria: ACMG Guidelines, 2015. Collection method: clinical testing. Allele origin: germline. Affected: yes.

GeneDx
Classification: Pathogenic. Last evaluated: 2022-02-10. Review status: criteria provided, single submitter. Criteria: GeneDx Variant Classification Process June 2021. Collection method: clinical testing. Allele origin: germline. Affected: yes.
Comment: Published functional studies demonstrate a damaging effect, resulting in loss of channel activity consistent with a strong dominant negative effect (Figueroa et al., 2010; Duarri et al., 2015); Not observed at significant frequency in large population cohorts (gnomAD); This variant is associated with the following publications: (PMID: 25356970, 23734863, 22289912, 19953606, 26795593, 21479265, 28216058, 28467418, 25756792, 33624863)

NM_004977.3(KCNC3):c.1268G>A (p.Arg423His)

Gene: KCNC3 (potassium voltage-gated channel subfamily C member 3; minus strand). Cytogenetic location: 19q13.33.
Variant type: single nucleotide variant.
Coding change: c.1268G>A on transcript NM_004977.3 (MANE Select); coding-DNA position 1268, G replaced by A.
Protein change: p.Arg423His; replaces arginine 423 with histidine.
Molecular consequence: missense variant.
Genome position (GRCh38, 1-based): chr19:50,323,685, C>T on the plus strand (G>A on the coding strand, the complement: KCNC3 is on the minus strand). VCF-style: chr19-50323685-C-T. GRCh37 (hg19) VCF-style: chr19-50826942-C-T.
Other names: c.1040G>A, p.Arg347His (NM_001372305.1); short protein forms R423H, R347H.
Identifiers: ClinVar variation 208671 (VCV000208671.101), dbSNP rs797044872, ClinGen allele CA204646.